The following is an entry in ClinVar:

ClinVar aggregate classification (germline): Pathogenic. Review status: criteria provided, multiple submitters, no conflicts (2 of 4 stars). 2 submissions from 2 submitters: Pathogenic (2). Last evaluated 2025-12-16.

Conditions:
Hypohidrotic X-linked ectodermal dysplasia (XHED). Also called: Christ-Siemans-Touraine syndrome; ECTODERMAL DYSPLASIA 1; Ectodermal Dysplasia 1, Anhidrotic; ECTODERMAL DYSPLASIA, HYPOHIDROTIC, 1; CST SYNDROME; Anhidrotic ectodermal dysplasia X-linked. Identifiers: Orphanet 181, Orphanet 238468, MedGen C0162359, MONDO:0010585, OMIM 305100.

Submissions (2):

Department of Human Genetics, Hannover Medical School
Classification: Pathogenic for Hypohidrotic X-linked ectodermal dysplasia. Last evaluated: 2025-12-16. Review status: criteria provided, single submitter. Criteria: ACMG Guidelines, 2015. Collection method: clinical testing. Allele origin: germline. Inheritance: X-linked recessive inheritance. Affected: yes.
Comment: PS3_Supporting, PS4_Supporting, PM2_supporting, PM5_Supporting, PP1_Strong, PP3_Strong, PP4

Labcorp Genetics (formerly Invitae), Labcorp
Classification: Pathogenic for Hypohidrotic X-linked ectodermal dysplasia. Last evaluated: 2021-05-31. Review status: criteria provided, single submitter. Criteria: Invitae Variant Classification Sherloc (09022015). Collection method: clinical testing. Allele origin: germline.
Comment: This variant has been observed in individual(s) with clinical features of ectodermal dysplasia (PMID: 11279189, Invitae). For these reasons, this variant has been classified as Pathogenic. This variant disrupts the p.Gly207 amino acid residue in EDA. Other variant(s) that disrupt this residue have been determined to be pathogenic (Invitae). This suggests that this residue is clinically significant, and that variants that disrupt this residue are likely to be disease-causing. Advanced modeling of protein sequence and biophysical properties (such as structural, functional, and spatial information, amino acid conservation, physicochemical variation, residue mobility, and thermodynamic stability) performed at Invitae indicates that this missense variant is expected to disrupt EDA protein function. This variant is not present in population databases (ExAC no frequency). This sequence change replaces glycine with arginine at codon 207 of the EDA protein (p.Gly207Arg). The glycine residue is highly conserved and there is a moderate physicochemical difference between glycine and arginine.

Literature cited by the submitters: PubMed 11279189 (cited by Labcorp Genetics (formerly Invitae), Labcorp).

NM_001399.5(EDA):c.619G>A (p.Gly207Arg)

Gene: EDA (ectodysplasin A; plus strand). Cytogenetic location: Xq13.1.
Variant type: single nucleotide variant.
Coding change: c.619G>A on transcript NM_001399.5 (MANE Select); coding-DNA position 619, G replaced by A.
Protein change: p.Gly207Arg; replaces glycine 207 with arginine.
Molecular consequence: missense variant.
Genome position (GRCh38, 1-based): chrX:70,027,949, G>A. VCF-style: chrX-70027949-G-A. GRCh37 (hg19) VCF-style: chrX-69247799-G-A.
Other names: c.619G>A, p.Gly207Arg (NM_001005609.2, NM_001005612.3); short protein forms G207R.
Identifiers: ClinVar variation 1457978 (VCV001457978.8), dbSNP rs2147509825, ClinGen allele CA413448360.